The following is an entry in ClinVar:

NM_001009944.3(PKD1):c.6692T>G (p.Val2231Gly)

Gene: PKD1 (polycystin 1, transient receptor potential channel interacting; minus strand). Cytogenetic location: 16p13.3.
Variant type: single nucleotide variant.
Coding change: c.6692T>G on transcript NM_001009944.3 (MANE Select); coding-DNA position 6692, T replaced by G.
Protein change: p.Val2231Gly; replaces valine 2231 with glycine.
Molecular consequence: missense variant.
Genome position (GRCh38, 1-based): chr16:2,108,475, A>C on the plus strand (T>G on the coding strand, the complement: PKD1 is on the minus strand). VCF-style: chr16-2108475-A-C. GRCh37 (hg19) VCF-style: chr16-2158476-A-C.
Other names: c.6692T>G, p.Val2231Gly (NM_000296.4); short protein forms V2231G.
Identifiers: ClinVar variation 2663165 (VCV002663165.1), dbSNP rs2544801120, ClinGen allele CA394373072.

ClinVar aggregate classification (germline): Uncertain significance (1 of 4 stars; one submission).

Submission:

GeneDx
Classification: Uncertain significance. Last evaluated: 2023-05-09. Review status: criteria provided, single submitter. Criteria: GeneDx Variant Classification Process June 2021. Collection method: clinical testing. Allele origin: germline. Affected: yes.
Comment: Not observed at significant frequency in large population cohorts (gnomAD); In silico analysis supports that this missense variant has a deleterious effect on protein structure/function; Has not been previously published as pathogenic or benign to our knowledge